The following is an entry in ClinVar:

NM_024334.3(TMEM43):c.163-247C>T

Gene: TMEM43 (transmembrane protein 43; plus strand). Cytogenetic location: 3p25.1.
Variant type: single nucleotide variant.
Coding change: c.163-247C>T on transcript NM_024334.3 (MANE Select); 247 bases into the intron before coding-DNA position 163, C replaced by T.
Molecular consequence: intron variant.
Genome position (GRCh38, 1-based): chr3:14,130,575, C>T. VCF-style: chr3-14130575-C-T. GRCh37 (hg19) VCF-style: chr3-14172075-C-T.
Identifiers: ClinVar variation 670234 (VCV000670234.1), dbSNP rs6798807, ClinGen allele CA15232478.
Genomic context (GRCh38, chr3:14,130,575, plus strand): 5'-GAGAAAAATGGGGAGAAAGGGACAGGCAGGCAGAAACATCAGCTGTTCCCACCACTGGGG[C>T]AGTGCTAAGATTGGTGGGGGCTAGTGGGAACCAATGGGGCAGTAGGAAGAAGTCTCCCTG-3'

ClinVar aggregate classification (germline): Benign (1 of 4 stars; one submission).

Allele frequency attached by ClinVar (database versions not stated): gnomAD 0.14107 and 0.14497; TOPMed 0.14203; 1000 Genomes Project 30x 0.21846; 1000 Genomes Project 0.22264.
gnomAD v4.1: 22,005 of 152,072 alleles (14%); highest among the groups gnomAD compares: East Asian, 37%; 1,883 homozygotes.

Submission:

GeneDx
Classification: Benign. Last evaluated: 2018-06-14. Review status: criteria provided, single submitter. Criteria: GeneDx Variant Classification (06012015). Collection method: clinical testing. Allele origin: germline. Affected: yes.
Comment: This variant is considered likely benign or benign based on one or more of the following criteria: it is a conservative change, it occurs at a poorly conserved position in the protein, it is predicted to be benign by multiple in silico algorithms, and/or has population frequency not consistent with disease.